The following is an entry in ClinVar:

NM_005245.4(FAT1):c.10966G>A (p.Val3656Ile)

Genes: FAT1 (FAT atypical cadherin 1; minus strand), LOC126807254 (BRD4-independent group 4 enhancer GRCh37_chr4:187524269-187525468; plus strand). Cytogenetic location: 4q35.2.
Variant type: single nucleotide variant.
Coding change: c.10966G>A on transcript NM_005245.4 (MANE Select); coding-DNA position 10966, G replaced by A.
Protein change: p.Val3656Ile; replaces valine 3656 with isoleucine.
Molecular consequence: missense variant.
Genome position (GRCh38, 1-based): chr4:186,603,560, C>T on the plus strand (G>A on the coding strand, the complement: FAT1 is on the minus strand). VCF-style: chr4-186603560-C-T. GRCh37 (hg19) VCF-style: chr4-187524714-C-T.
Other names: short protein forms V3656I.
Identifiers: ClinVar variation 712556 (VCV000712556.12), dbSNP rs192691397, ClinGen allele CA3165214.
Genomic context (GRCh38, chr4:186,603,560, plus strand): 5'-TCCTCCTCACACCCAGGATGTTCCGTAAAGCTCGCTGGAAGTTGCGCCAGTAGTCACCAA[C>T]GAATTCTTCCGGAGTGAGGTTGGCAAAGCGGATCGCGATGGTGTGGTTCAACATCTCCTG-3'
Protein context (NP_005236.2, residues 3646-3666): RFANLTPEEF[Val3656Ile]GDYWRNFQRA

ClinVar aggregate classification (germline): Conflicting classifications of pathogenicity. Review status: criteria provided, conflicting classifications (1 of 4 stars). 3 submissions from 3 submitters: Uncertain significance (1); Likely benign (1). 1 of the submissions does not count toward it. Last evaluated 2025-12-06.

Conditions:
FAT1-related disorder. Also called: FAT1-related condition.

Allele frequency attached by ClinVar (database versions not stated): gnomAD exomes 0.00044; ExAC 0.00054; 1000 Genomes Project 0.00180; gnomAD 0.00198 and 0.00212; TOPMed 0.00207; 1000 Genomes Project 30x 0.00234; ESP Exome Variant Server 0.00235.
gnomAD v4.1: 686 of 1,613,976 alleles (0.043%); highest among the groups gnomAD compares: African/African-American, 0.69%; 3 homozygotes.

Submissions (3):

Labcorp Genetics (formerly Invitae), Labcorp
Classification: Likely benign. Last evaluated: 2025-12-06. Review status: criteria provided, single submitter. Criteria: Invitae Variant Classification Sherloc (09022015). Collection method: clinical testing. Allele origin: germline.

GeneDx
Classification: Uncertain significance. Last evaluated: 2022-02-21. Review status: criteria provided, single submitter. Criteria: GeneDx Variant Classification Process June 2021. Collection method: clinical testing. Allele origin: germline. Affected: yes.
Comment: In silico analysis supports that this missense variant does not alter protein structure/function; Has not been previously published as pathogenic or benign to our knowledge

PreventionGenetics, part of Exact Sciences
Classification: Likely benign for FAT1-related condition. Last evaluated: 2020-12-08. Review status: no assertion criteria provided. Collection method: clinical testing. Allele origin: germline. Not counted in ClinVar's aggregate classification.
Comment: This variant is classified as likely benign based on ACMG/AMP sequence variant interpretation guidelines (Richards et al. 2015 PMID: 25741868, with internal and published modifications).